The following is an entry in ClinVar:

NM_000138.5(FBN1):c.7259A>G (p.Asn2420Ser)

Gene: FBN1 (fibrillin 1; minus strand). Cytogenetic location: 15q21.1.
Variant type: single nucleotide variant.
Coding change: c.7259A>G on transcript NM_000138.5 (MANE Select); coding-DNA position 7259, A replaced by G.
Protein change: p.Asn2420Ser; replaces asparagine 2420 with serine.
Molecular consequence: missense variant.
Genome position (GRCh38, 1-based): chr15:48,425,810, T>C on the plus strand (A>G on the coding strand, the complement: FBN1 is on the minus strand). VCF-style: chr15-48425810-T-C. GRCh37 (hg19) VCF-style: chr15-48718007-T-C.
Other names: short protein forms N2420S.
Identifiers: ClinVar variation 1319506 (VCV001319506.10), dbSNP rs2141226971, ClinGen allele CA392328732.

ClinVar aggregate classification (germline): Uncertain significance. Review status: criteria provided, multiple submitters, no conflicts (2 of 4 stars). 2 submissions from 2 submitters: Uncertain significance (2). Last evaluated 2023-01-14.

Conditions:
Marfan syndrome (MFS). Also called: Marfan syndrome type 1; Marfan's syndrome; FBN1-Related Marfan Syndrome; MARFAN SYNDROME, TYPE I; Marfan syndrome, classic. Identifiers: Orphanet 284963, Orphanet 558, MedGen C0024796, MONDO:0007947, OMIM 154700.
Familial thoracic aortic aneurysm and aortic dissection (TAAD). Also called: Thoracic aortic aneurysms and dissections. Identifiers: Orphanet 91387, MedGen C4707243, MONDO:0019625.

Submissions (2):

Labcorp Genetics (formerly Invitae), Labcorp
Classification: Uncertain significance for Marfan syndrome; Familial thoracic aortic aneurysm and aortic dissection. Last evaluated: 2023-01-14. Review status: criteria provided, single submitter. Criteria: Invitae Variant Classification Sherloc (09022015). Collection method: clinical testing. Allele origin: germline.
Comment: In summary, the available evidence is currently insufficient to determine the role of this variant in disease. Therefore, it has been classified as a Variant of Uncertain Significance. Advanced modeling of protein sequence and biophysical properties (such as structural, functional, and spatial information, amino acid conservation, physicochemical variation, residue mobility, and thermodynamic stability) performed at Invitae indicates that this missense variant is expected to disrupt FBN1 protein function. ClinVar contains an entry for this variant (Variation ID: 1319506). This variant has not been reported in the literature in individuals affected with FBN1-related conditions. This variant is not present in population databases (gnomAD no frequency). This sequence change replaces asparagine, which is neutral and polar, with serine, which is neutral and polar, at codon 2420 of the FBN1 protein (p.Asn2420Ser).

Institute for Clinical Genetics, University Hospital TU Dresden, University Hospital TU Dresden
Classification: Uncertain significance. Last evaluated: 2021-11-03. Review status: criteria provided, single submitter. Criteria: ACMG Guidelines, 2015. Collection method: clinical testing. Allele origin: germline.